The following is an entry in ClinVar:

ClinVar aggregate classification (germline): Uncertain significance (1 of 4 stars; one submission).

Conditions:
Cardiovascular phenotype. Identifiers: MedGen CN230736.

Submission:

Ambry Genetics
Classification: Uncertain significance for Cardiovascular phenotype. Last evaluated: 2025-08-30. Review status: criteria provided, single submitter. Criteria: Ambry Variant Classification Scheme 2023. Collection method: clinical testing. Allele origin: germline.
Comment: The p.G816D variant (also known as c.2447G>A), located in coding exon 16 of the CBL gene, results from a G to A substitution at nucleotide position 2447. The glycine at codon 816 is replaced by aspartic acid, an amino acid with similar properties. This amino acid position is conserved. In addition, this alteration is predicted to be tolerated by in silico analysis. Based on the available evidence, the clinical significance of this variant remains unclear.

NM_005188.4(CBL):c.2447G>A (p.Gly816Asp)

Gene: CBL (Cbl proto-oncogene; plus strand). Cytogenetic location: 11q23.3.
Variant type: single nucleotide variant.
Coding change: c.2447G>A on transcript NM_005188.4 (MANE Select); coding-DNA position 2447, G replaced by A.
Protein change: p.Gly816Asp; replaces glycine 816 with aspartic acid.
Molecular consequence: missense variant.
Genome position (GRCh38, 1-based): chr11:119,299,507, G>A. VCF-style: chr11-119299507-G-A. GRCh37 (hg19) VCF-style: chr11-119170217-G-A.
Other names: short protein forms G816D.
Identifiers: ClinVar variation 4219917 (VCV004219917.1).